The following is an entry in ClinVar:

NM_002742.3(PRKD1):c.2009T>C (p.Ile670Thr)

Gene: PRKD1 (protein kinase D1; minus strand). Cytogenetic location: 14q12.
Variant type: single nucleotide variant.
Coding change: c.2009T>C on transcript NM_002742.3 (MANE Select); coding-DNA position 2009, T replaced by C.
Protein change: p.Ile670Thr; replaces isoleucine 670 with threonine.
Molecular consequence: missense variant.
Genome position (GRCh38, 1-based): chr14:29,599,714, A>G on the plus strand (T>C on the coding strand, the complement: PRKD1 is on the minus strand). VCF-style: chr14-29599714-A-G. GRCh37 (hg19) VCF-style: chr14-30068920-A-G.
Other names: c.2033T>C, p.Ile678Thr (NM_001330069.2); c.1745T>C, p.Ile582Thr (NM_001348390.1); short protein forms I582T, I670T, I678T.
Identifiers: ClinVar variation 5005314 (VCV005005314.2).
Genomic context (GRCh38, chr14:29,599,714, plus strand): 5'-ACCTGAGTAATTAAAAACTTCGTTATGTGCTCTGGCAACCTGCCCTTTTCACTTGACAAG[A>G]TCATTTCCAGCATGTCTCCATGGAGTTTTTCCATAACAACAAACACTCTTTCAGGCGTCT-3'
Protein context (NP_002733.2, residues 660-680): EKLHGDMLEM[Ile670Thr]LSSEKGRLPE

ClinVar aggregate classification (germline): Uncertain significance (1 of 4 stars; one submission).

Conditions:
Congenital heart defects and ectodermal dysplasia (CHDED). Identifiers: MedGen C4479250, MONDO:0044303, OMIM 617364.

Submission:

Juno Genomics, Hangzhou Juno Genomics, Inc
Classification: Uncertain significance for Congenital heart defects and ectodermal dysplasia. Review status: criteria provided, single submitter. Criteria: ACMG Guidelines, 2015. Collection method: clinical testing. Allele origin: germline.
Comment: Absent from controls (or at extremely low frequency if recessive) in Genome Aggregation Database.;Multiple lines of computational evidence support a deleterious effect on the gene or gene product.